The following is an entry in ClinVar:

ClinVar aggregate classification (germline): Likely benign. Review status: criteria provided, multiple submitters, no conflicts (2 of 4 stars). 2 submissions from 2 submitters: Likely benign (2). Last evaluated 2025-08-01.

Conditions:
Developmental and epileptic encephalopathy, 1 (DEE1). Also called: INFANTILE SPASM SYNDROME, X-LINKED 1; Epileptic encephalopathy, early infantile, 1; X-linked infantile spasms; West's syndrome; Tonic spasms with clustering, arrest of psychomotor development and hypsarrhythmia on EEG; X-Linked Infantile Spasm Syndrome. Identifiers: MedGen C3463992, MONDO:0010632, OMIM 308350. Disease mechanism: loss of function.
Intellectual disability, X-linked, with or without seizures, ARX-related. Also called: INTELLECTUAL DEVELOPMENTAL DISORDER, X-LINKED 29; MENTAL RETARDATION, X-LINKED 29; MENTAL RETARDATION, X-LINKED 32; MENTAL RETARDATION, X-LINKED 33; MENTAL RETARDATION, X-LINKED 38; MENTAL RETARDATION, X-LINKED 43. Identifiers: Orphanet 777, MedGen C0796244, MONDO:0010317, OMIM 300419.

Allele frequency attached by ClinVar (database versions not stated): TOPMed 0.00002; gnomAD 0.00003.

Submissions (2):

CeGaT Center for Human Genetics Tuebingen
Classification: Likely benign. Last evaluated: 2025-08-01. Review status: criteria provided, single submitter. Criteria: CeGaT Center For Human Genetics Tuebingen Variant Classification Criteria Version 2. Collection method: clinical testing. Allele origin: germline. Affected: yes. Observed: 1 variant allele.
Comment: ARX: BP4, BP7, BS2

Labcorp Genetics (formerly Invitae), Labcorp
Classification: Likely benign for Developmental and epileptic encephalopathy, 1; Intellectual disability, X-linked, with or without seizures, ARX-related. Last evaluated: 2025-05-13. Review status: criteria provided, single submitter. Criteria: Invitae Variant Classification Sherloc (09022015). Collection method: clinical testing. Allele origin: germline.

NM_139058.3(ARX):c.327G>A (p.Ala109=)

Genes: ARX (aristaless related homeobox; minus strand), LOC109610631 (aristaless related homeobox polyalanine expansion region; plus strand). Cytogenetic location: Xp21.3.
Variant type: single nucleotide variant.
Coding change: c.327G>A on transcript NM_139058.3 (MANE Select); coding-DNA position 327, G replaced by A.
Protein change: p.Ala109=; no amino-acid change (alanine 109 retained).
Molecular consequence: synonymous variant.
Genome position (GRCh38, 1-based): chrX:25,013,668, C>T on the plus strand (G>A on the coding strand, the complement: ARX is on the minus strand). VCF-style: chrX-25013668-C-T. GRCh37 (hg19) VCF-style: chrX-25031785-C-T.
Identifiers: ClinVar variation 1103912 (VCV001103912.17), dbSNP rs1340239089, ClinGen allele CA515948035.